The following is an entry in ClinVar:

ClinVar aggregate classification (germline): Uncertain significance (1 of 4 stars; one submission).

Conditions:
Gastrointestinal stromal tumor. Also called: Gastrointestinal stroma tumor; Gastrointestinal stromal tumor, somatic. Identifiers: Orphanet 44890, MedGen C0238198, MeSH D046152, MONDO:0011719, OMIM 606764, HP:0100723.

Allele frequency attached by ClinVar (database versions not stated): gnomAD exomes below 0.00001.
gnomAD v4.1: 2 of 1,614,090 alleles (0.00012%); highest among the groups gnomAD compares: Non-Finnish European, 0.00017%; no homozygotes.

Submission:

Labcorp Genetics (formerly Invitae), Labcorp
Classification: Uncertain significance for Gastrointestinal stromal tumor. Last evaluated: 2025-01-14. Review status: criteria provided, single submitter. Criteria: Invitae Variant Classification Sherloc (09022015). Collection method: clinical testing. Allele origin: germline.
Comment: This sequence change replaces glycine, which is neutral and non-polar, with aspartic acid, which is acidic and polar, at codon 23 of the KIT protein (p.Gly23Asp). This variant is not present in population databases (gnomAD no frequency). This variant has not been reported in the literature in individuals affected with KIT-related conditions. ClinVar contains an entry for this variant (Variation ID: 2154628). An algorithm developed to predict the effect of missense changes on protein structure and function (PolyPhen-2) suggests that this variant is likely to be disruptive. In summary, the available evidence is currently insufficient to determine the role of this variant in disease. Therefore, it has been classified as a Variant of Uncertain Significance.

NM_000222.3(KIT):c.68G>A (p.Gly23Asp)

Gene: KIT (KIT proto-oncogene, receptor tyrosine kinase; plus strand). Cytogenetic location: 4q12.
Variant type: single nucleotide variant.
Coding change: c.68G>A on transcript NM_000222.3 (MANE Select); coding-DNA position 68, G replaced by A.
Protein change: p.Gly23Asp; replaces glycine 23 with aspartic acid.
Molecular consequence: missense variant.
Genome position (GRCh38, 1-based): chr4:54,695,512, G>A. VCF-style: chr4-54695512-G-A. GRCh37 (hg19) VCF-style: chr4-55561678-G-A.
Other names: c.68G>A, p.Gly23Asp (NM_001093772.2, NM_001385284.1, NM_001385285.1 and 4 more transcripts); short protein forms G23D.
Identifiers: ClinVar variation 2154628 (VCV002154628.4), dbSNP rs2109660271, ClinGen allele CA356896781.